The following is an entry in ClinVar:

NM_014014.5(SNRNP200):c.5796C>T (p.Ser1932=)

Gene: SNRNP200 (small nuclear ribonucleoprotein U5 subunit 200; minus strand). Cytogenetic location: 2q11.2.
Variant type: single nucleotide variant.
Coding change: c.5796C>T on transcript NM_014014.5 (MANE Select); coding-DNA position 5796, C replaced by T.
Protein change: p.Ser1932=; no amino-acid change (serine 1932 retained).
Molecular consequence: synonymous variant.
Genome position (GRCh38, 1-based): chr2:96,277,674, G>A on the plus strand (C>T on the coding strand, the complement: SNRNP200 is on the minus strand). VCF-style: chr2-96277674-G-A. GRCh37 (hg19) VCF-style: chr2-96943412-G-A.
Identifiers: ClinVar variation 764808 (VCV000764808.11), dbSNP rs898627841, ClinGen allele CA52385707.

ClinVar aggregate classification (germline): Likely benign. Review status: criteria provided, single submitter (1 of 4 stars). 2 submissions from 2 submitters: Likely benign (1). 1 of the submissions does not count toward it. Last evaluated 2025-01-08.

Conditions:
SNRNP200-related disorder. Also called: SNRNP200-related condition.

Allele frequency attached by ClinVar (database versions not stated): gnomAD exomes 0.00001; gnomAD 0.00008 and 0.00009; TOPMed 0.00024.
gnomAD v4.1: 23 of 1,614,172 alleles (0.0014%); highest among the groups gnomAD compares: Admixed American, 0.033%; 1 homozygote.

Submissions (2):

Labcorp Genetics (formerly Invitae), Labcorp
Classification: Likely benign. Last evaluated: 2025-01-08. Review status: criteria provided, single submitter. Criteria: Invitae Variant Classification Sherloc (09022015). Collection method: clinical testing. Allele origin: germline.

PreventionGenetics, part of Exact Sciences
Classification: Likely benign for SNRNP200-related condition. Last evaluated: 2021-11-09. Review status: no assertion criteria provided. Collection method: clinical testing. Allele origin: germline. Not counted in ClinVar's aggregate classification.
Comment: This variant is classified as likely benign based on ACMG/AMP sequence variant interpretation guidelines (Richards et al. 2015 PMID: 25741868, with internal and published modifications).